The following continues an entry in ClinVar:

NM_000059.4(BRCA2):c.5857G>T (p.Glu1953Ter)

Gene: BRCA2. ClinVar aggregate classification (germline): Pathogenic. Pathogenic (1).

Submissions 40 to 41 of 41:

Diagnostic Laboratory, Department of Genetics, University Medical Center Groningen
Classification: Pathogenic for Breast-ovarian cancer, familial, susceptibility to, 2. Review status: no assertion criteria provided. Collection method: clinical testing. Allele origin: germline. Affected: yes. Study: VKGL Data-share Consensus. Not counted in ClinVar's aggregate classification.

Genome Diagnostics Laboratory, University Medical Center Utrecht
Classification: Pathogenic. Review status: no assertion criteria provided. Collection method: clinical testing. Allele origin: germline. Affected: yes. Study: VKGL Data-share Consensus. Not counted in ClinVar's aggregate classification.

Literature cited by the submitters: PubMed 20104584 (cited by Labcorp Genetics (formerly Invitae), Labcorp); PubMed 9150172 (cited by 7 submitters); PubMed 9792861 (cited by 5 submitters); PubMed 15382066 (cited by 6 submitters); PubMed 16683254 (cited by 4 submitters); PubMed 23318356 (cited by 6 submitters); PubMed 23621881 (cited by 7 submitters); PubMed 28008555 (cited by 4 submitters); PubMed 32772980 (cited by 3 submitters); PubMed 32885271 (cited by Center for Genomic Medicine, Rigshospitalet, Copenhagen University Hospital and Quest Diagnostics Nichols Institute San Juan Capistrano); PubMed 29907814 (cited by Center for Genomic Medicine, Rigshospitalet, Copenhagen University Hospital and Quest Diagnostics Nichols Institute San Juan Capistrano); PubMed 11307153 (cited by Ambry Genetics and Quest Diagnostics Nichols Institute San Juan Capistrano); PubMed 17148771 (cited by Ambry Genetics and Quest Diagnostics Nichols Institute San Juan Capistrano); PubMed 20694749 (cited by 3 submitters); PubMed 21324516 (cited by Ambry Genetics and Quest Diagnostics Nichols Institute San Juan Capistrano); PubMed 8673090 (cited by 3 submitters); PubMed 9667259 (cited by 3 submitters); PubMed 19863560 (cited by Color Diagnostics, LLC DBA Color Health and Laboratory for Molecular Medicine, Mass General Brigham Personalized Medicine); PubMed 29446198 (cited by 4 submitters); PubMed 33471991 (cited by Color Diagnostics, LLC DBA Color Health and Quest Diagnostics Nichols Institute San Juan Capistrano); PubMed 8988179 (cited by All of Us Research Program, National Institutes of Health); PubMed 11897832 (cited by All of Us Research Program, National Institutes of Health); PubMed 26425718 (cited by All of Us Research Program, National Institutes of Health and Quest Diagnostics Nichols Institute San Juan Capistrano); PubMed 28503720 (cited by All of Us Research Program, National Institutes of Health and Quest Diagnostics Nichols Institute San Juan Capistrano); PubMed 34298626 (cited by All of Us Research Program, National Institutes of Health); PubMed 35714671 (cited by All of Us Research Program, National Institutes of Health); PubMed 35949895 (cited by All of Us Research Program, National Institutes of Health); PubMed 27741520 (cited by Quest Diagnostics Nichols Institute San Juan Capistrano and Laboratory for Molecular Medicine, Mass General Brigham Personalized Medicine); PubMed 29625052 (cited by Quest Diagnostics Nichols Institute San Juan Capistrano); PubMed 30274973 (cited by Quest Diagnostics Nichols Institute San Juan Capistrano and Laboratory for Molecular Medicine, Mass General Brigham Personalized Medicine); PubMed 30787465 (cited by Quest Diagnostics Nichols Institute San Juan Capistrano); PubMed 31360904 (cited by Quest Diagnostics Nichols Institute San Juan Capistrano); PubMed 32338768 (cited by Quest Diagnostics Nichols Institute San Juan Capistrano); PubMed 25884701 (cited by Quest Diagnostics Nichols Institute San Juan Capistrano); PubMed 32300229 (cited by Quest Diagnostics Nichols Institute San Juan Capistrano); PubMed 28715532 (cited by Quest Diagnostics Nichols Institute San Juan Capistrano); PubMed 16905680 (cited by Quest Diagnostics Nichols Institute San Juan Capistrano); PubMed 26786923 (cited by Quest Diagnostics Nichols Institute San Juan Capistrano); PubMed 23199084 (cited by Laboratory for Molecular Medicine, Mass General Brigham Personalized Medicine).